The following is an entry in ClinVar:

NM_198859.4(PRICKLE2):c.1512_1517del (p.Glu509_Glu510del)

Gene: PRICKLE2 (prickle planar cell polarity protein 2; minus strand). Cytogenetic location: 3p14.1.
Variant type: Deletion.
Coding change: c.1512_1517del on transcript NM_198859.4 (MANE Select); coding-DNA positions 1512 to 1517, 6 bases deleted (GGAGGA; older notation c.1512_1517delGGAGGA).
Protein change: p.Glu509_Glu510del.
Molecular consequence: inframe deletion.
Genome position (GRCh38, 1-based): chr3:64,146,973-64,146,978, TCCTCC deleted on the plus strand (GGAGGA on the coding strand, the reverse complement: PRICKLE2 is on the minus strand); deleting any 6 consecutive bases within chr3:64,146,973-64,146,980 gives the same sequence; the c. name uses the placement nearest the transcript's 3' end. VCF-style (leftmost placement, unchanged base first): chr3-64146972-TTCCTCC-T. GRCh37 (hg19) VCF-style: chr3-64132648-TTCCTCC-T.
Other names: c.1512_1517del, p.Glu509_Glu510del (NM_001370528.1).
Identifiers: ClinVar variation 626153 (VCV000626153.2), dbSNP rs768032905, ClinGen allele CA2479618.

ClinVar aggregate classification (germline): Uncertain significance (1 of 4 stars; one submission).

Submission:

Center for Genomics, Ann and Robert H. Lurie Children's Hospital of Chicago
Classification: Uncertain significance. Last evaluated: 2021-03-30. Review status: criteria provided, single submitter. Criteria: ACMG Guidelines, 2015. Collection method: clinical testing. Allele origin: germline.
Comment: PRICKLE2 NM_198859.3 exon 7 p.Glu509_Glu510del (c.1526_1531del): This variant has not been reported in the literature but is present in 10/30782 South Asian alleles in the Genome Aggregation Database. Evolutionary conservation and computational predictive tools for this variant are limited or unavailable. This variant represents an in-frame deletion of 2 amino acids at position 509/510 and is not predicted to alter the reading frame. However, the effect of this variant on the protein is unclear. In summary, data on this variant is insufficient for disease classification. Therefore, the clinical significance of this variant is uncertain.